The following is an entry in ClinVar:

NM_021614.4(KCNN2):c.196T>A (p.Cys66Ser)

Gene: KCNN2 (potassium calcium-activated channel subfamily N member 2; plus strand). Cytogenetic location: 5q22.3.
Variant type: single nucleotide variant.
Coding change: c.196T>A on transcript NM_021614.4 (MANE Select); coding-DNA position 196, T replaced by A.
Protein change: p.Cys66Ser; replaces cysteine 66 with serine.
Molecular consequence: missense variant. On other transcripts: non-coding transcript variant (1).
Genome position (GRCh38, 1-based): chr5:114,362,335, T>A. VCF-style: chr5-114362335-T-A. GRCh37 (hg19) VCF-style: chr5-113698032-T-A.
Other names: c.394T>A, p.Cys132Ser (NM_001372233.1); short protein forms C132S, C66S.
Identifiers: ClinVar variation 3765744 (VCV003765744.1).
Genomic context (GRCh38, chr5:114,362,335, plus strand): 5'-CACCCTCACCACCACCCGCACCTCGCGCACCAGCAGCCGGCCAGCGGCGGCAGCAGCCCA[T>A]GCCTCCGGTGCAACAGCTGCGCCTCCTCCGGTGCCCCGGCGGCGGGGGCGGGAGATAACC-3'
Protein context (NP_067627.3, residues 56-76): QQPASGGSSP[Cys66Ser]LRCNSCASSG

ClinVar aggregate classification (germline): Uncertain significance (1 of 4 stars; one submission).

Submission:

Greenwood Genetic Center Diagnostic Laboratories, Greenwood Genetic Center
Classification: Uncertain significance. Last evaluated: 2024-11-04. Review status: criteria provided, single submitter. Criteria: ACMG Guidelines, 2015. Collection method: clinical testing. Allele origin: germline. Affected: yes.
Comment: PM2